The following is an entry in ClinVar:

ClinVar aggregate classification (germline): Uncertain significance (1 of 4 stars; one submission).

Conditions:
Early-infantile DEE. Also called: Early infantile epileptic encephalopathy; Ohtahara syndrome; Early infantile epileptic encephalopathy with suppression bursts. Identifiers: Orphanet 1934, MedGen C0393706, MONDO:0800491.

gnomAD v4.1: 11 of 1,613,964 alleles (0.00068%); highest among the groups gnomAD compares: Admixed American, 0.0017%; no homozygotes.

Submission:

Labcorp Genetics (formerly Invitae), Labcorp
Classification: Uncertain significance for Early-infantile DEE. Last evaluated: 2025-06-18. Review status: criteria provided, single submitter. Criteria: Invitae Variant Classification Sherloc (09022015). Collection method: clinical testing. Allele origin: germline.
Comment: This sequence change replaces isoleucine, which is neutral and non-polar, with valine, which is neutral and non-polar, at codon 1079 of the SCN8A protein (p.Ile1079Val). This variant is present in population databases (rs538883540, gnomAD 0.004%). This variant has not been reported in the literature in individuals affected with SCN8A-related conditions. Invitae Evidence Modeling of protein sequence and biophysical properties (such as structural, functional, and spatial information, amino acid conservation, physicochemical variation, residue mobility, and thermodynamic stability) indicates that this missense variant is not expected to disrupt SCN8A protein function with a negative predictive value of 95%. In summary, the available evidence is currently insufficient to determine the role of this variant in disease. Therefore, it has been classified as a Variant of Uncertain Significance.

NM_001330260.2(SCN8A):c.3235A>G (p.Ile1079Val)

Gene: SCN8A (sodium voltage-gated channel alpha subunit 8; plus strand). Cytogenetic location: 12q13.13.
Variant type: single nucleotide variant.
Coding change: c.3235A>G on transcript NM_001330260.2 (MANE Select); coding-DNA position 3235, A replaced by G.
Protein change: p.Ile1079Val; replaces isoleucine 1079 with valine.
Molecular consequence: missense variant.
Genome position (GRCh38, 1-based): chr12:51,769,198, A>G. VCF-style: chr12-51769198-A-G. GRCh37 (hg19) VCF-style: chr12-52162982-A-G.
Other names: c.3235A>G, p.Ile1079Val (NM_001177984.3, NM_001369788.1, NM_014191.4); short protein forms I1079V.
Identifiers: ClinVar variation 4716635 (VCV004716635.1).
Genomic context (GRCh38, chr12:51,769,198, plus strand): 5'-TTCCAGAAGAATGGCAATGGCACAACCAGCGGCATTGGCAGCAGCGTGGAGAAGTACATC[A>G]TTGATGAGGACCACATGTCCTTCATCAACAACCCCAACTTGACTGTACGGGTACCCATTG-3'
Protein context (NP_001317189.1, residues 1069-1089): GIGSSVEKYI[Ile1079Val]DEDHMSFINN